The following is an entry in ClinVar:

ClinVar aggregate classification (germline): Uncertain significance (1 of 4 stars; one submission).

Conditions:
Transcobalamin II deficiency (TCN2D). Also called: TC II DEFICIENCY; TCN2 DEFICIENCY; Transcolabamin II deficiency. Identifiers: Orphanet 859, MedGen C0342701, MONDO:0010149, OMIM 275350.

Submission:

Labcorp Genetics (formerly Invitae), Labcorp
Classification: Uncertain significance for Transcobalamin II deficiency. Last evaluated: 2025-02-17. Review status: criteria provided, single submitter. Criteria: Invitae Variant Classification Sherloc (09022015). Collection method: clinical testing. Allele origin: germline.
Comment: This sequence change replaces lysine, which is basic and polar, with glutamic acid, which is acidic and polar, at codon 299 of the TCN2 protein (p.Lys299Glu). This variant is not present in population databases (gnomAD no frequency). This variant has not been reported in the literature in individuals affected with TCN2-related conditions. ClinVar contains an entry for this variant (Variation ID: 1495383). Invitae Evidence Modeling of protein sequence and biophysical properties (such as structural, functional, and spatial information, amino acid conservation, physicochemical variation, residue mobility, and thermodynamic stability) indicates that this missense variant is expected to disrupt TCN2 protein function with a positive predictive value of 80%. In summary, the available evidence is currently insufficient to determine the role of this variant in disease. Therefore, it has been classified as a Variant of Uncertain Significance.

NM_000355.4(TCN2):c.895A>G (p.Lys299Glu)

Gene: TCN2 (transcobalamin 2; plus strand). Cytogenetic location: 22q12.2.
Variant type: single nucleotide variant.
Coding change: c.895A>G on transcript NM_000355.4 (MANE Select); coding-DNA position 895, A replaced by G.
Protein change: p.Lys299Glu; replaces lysine 299 with glutamic acid.
Molecular consequence: missense variant.
Genome position (GRCh38, 1-based): chr22:30,615,742, A>G. VCF-style: chr22-30615742-A-G. GRCh37 (hg19) VCF-style: chr22-31011729-A-G.
Other names: c.814A>G, p.Lys272Glu (NM_001184726.2); short protein forms K299E, K272E.
Identifiers: ClinVar variation 1495383 (VCV001495383.8), dbSNP rs2087604329, ClinGen allele CA411213628.